The following is an entry in ClinVar:

ClinVar aggregate classification (germline): Conflicting classifications of pathogenicity. Review status: criteria provided, conflicting classifications (1 of 4 stars). 12 submissions from 12 submitters: Uncertain significance (9); Likely benign (2). 1 of the submissions does not count toward it. Last evaluated 2025-12-29.

Conditions:
Familial cancer of breast. Also called: Hereditary breast cancer; hereditary breast carcinoma; BREAST CANCER, FAMILIAL. Identifiers: Orphanet 227535, MedGen C0346153, MONDO:0016419, OMIM 114480. Disease mechanism: loss of function.
Ovarian cancer. Also called: OVARIAN CANCER, SOMATIC. Identifiers: Orphanet 213500, MedGen C1140680, MONDO:0008170, OMIM 167000.
CDH1-related disorder. Also called: CDH1-related condition.
Breast and/or ovarian cancer. Identifiers: MedGen CN221562.
Hereditary cancer-predisposing syndrome. Also called: Neoplastic Syndromes, Hereditary; Hereditary Cancer Syndrome; Hereditary neoplastic syndrome; Tumor predisposition. Identifiers: Orphanet 140162, MedGen C0027672, MeSH D009386, MONDO:0015356.
Hereditary diffuse gastric adenocarcinoma (HDGC). Also called: DIFFUSE GASTRIC AND LOBULAR BREAST CANCER SYNDROME. Identifiers: Orphanet 26106, MedGen C1708349, MONDO:0007648, OMIM 137215.

Allele frequency attached by ClinVar (database versions not stated): ExAC 0.00003; gnomAD 0.00003; gnomAD exomes 0.00003 and 0.00007; TOPMed 0.00003.
gnomAD v4.1: 105 of 1,613,880 alleles (0.0065%); highest among the groups gnomAD compares: Non-Finnish European, 0.0081%; no homozygotes.

Submissions (12):

Labcorp Genetics (formerly Invitae), Labcorp
Classification: Likely benign for Hereditary diffuse gastric adenocarcinoma. Last evaluated: 2025-12-29. Review status: criteria provided, single submitter. Criteria: Invitae Variant Classification Sherloc (09022015). Collection method: clinical testing. Allele origin: germline.

Color Diagnostics, LLC DBA Color Health
Classification: Uncertain significance for Hereditary cancer-predisposing syndrome. Last evaluated: 2025-11-05. Review status: criteria provided, single submitter. Criteria: ACMG Guidelines, 2015. Collection method: clinical testing. Allele origin: germline.
Comment: This missense variant replaces glutamine with lysine at codon 673 of the CDH1 protein. To our knowledge, functional studies have not been reported for this variant. This variant has been detected in a breast cancer case-control meta-analysis in 5/60466 cases and 2/53461 unaffected individuals (PMID: 33471991LOVD DB-ID CDH1_000169) and in an individual unaffected with cancer and family history for breast cancer only (PMID: 36436516). This variant also has been detected in 2 individuals older than age 70 years who have never had cancer (FLOSSIES database). This variant has been identified in 105/1613880 chromosomes in the general population by the Genome Aggregation Database (gnomAD). Although there is a suspicion that this variant may not be associated with disease, additional studies are necessary to determine the role of this variant in disease conclusively. Therefore, this variant is classified as a Variant of Uncertain Significance.

Institute for Biomarker Research, Medical Diagnostic Laboratories, L.L.C.
Classification: Uncertain significance for Hereditary cancer-predisposing syndrome. Last evaluated: 2025-06-16. Review status: criteria provided, single submitter. Criteria: ACMG Guidelines, 2015. Collection method: clinical testing. Allele origin: germline.
Comment: The missense variant NM_004360.5(CDH1):c.2017C>A (p.Gln673Lys) has not been reported previously as a pathogenic variant, to our knowledge.The p.Gln673Lys variant is novel (not in any individuals) in 1kG. There is a small physicochemical difference between glutamine and lysine, which is not likely to impact secondary protein structure as these residues share similar properties.The gene CDH1 contains 19 pathogenic missense variants, indicating that missense variants are a common mechanism of disease in this gene. For these reasons, this variant has been classified as Uncertain Significance.

Quest Diagnostics Nichols Institute San Juan Capistrano
Classification: Uncertain significance. Last evaluated: 2025-03-07. Review status: criteria provided, single submitter. Criteria: Quest Diagnostics criteria. Collection method: clinical testing. Allele origin: unknown.
Comment: The CDH1 c.2017C>A (p.Gln673Lys) variant has been reported in the published literature in an individual with a family history of breast cancer (PMID: 36436516 (2023)), as well as in breast cancer cases and reportedly healthy individuals in a large scale breast cancer association study (PMID: 33471991 (2021), see also LOVD). It was also described in a reportedly healthy individual in a large case control study (PMID: 38153744 (2023)). The frequency of this variant in the general population (Genome Aggregation Database) is uninformative in the assessment of its pathogenicity. Analysis of this variant using bioinformatics tools for the prediction of the effect of amino acid changes on protein structure and function yielded predictions that this variant is damaging. Based on the available information, we are unable to determine the clinical significance of this variant.

Women's Health and Genetics/Laboratory Corporation of America, LabCorp
Classification: Uncertain significance. Last evaluated: 2024-04-23. Review status: criteria provided, single submitter. Criteria: LabCorp Variant Classification Summary - May 2015. Collection method: clinical testing. Allele origin: germline.
Comment: Variant summary: CDH1 c.2017C>A (p.Gln673Lys) results in a conservative amino acid change located in the Cadherin-like domain (IPR002126) of the encoded protein sequence. Three of five in-silico tools predict a benign effect of the variant on protein function. The variant allele was found at a frequency of 2.8e-05 in 251476 control chromosomes. The available data on variant occurrences in the general population are insufficient to allow any conclusion about variant significance. To our knowledge, no occurrence of c.2017C>A in individuals affected with Hereditary Diffuse Gastric Cancer and no experimental evidence demonstrating its impact on protein function have been reported. c.2017C>A was detected in 2/9884 individuals in the FLOSSIES database (women older than age 70 without cancer). ClinVar contains an entry for this variant (Variation ID: 141376). Based on the evidence outlined above, the variant was classified as VUS-possibly benign.

Baylor Genetics
Classification: Uncertain significance for Familial cancer of breast. Last evaluated: 2024-03-25. Review status: criteria provided, single submitter. Criteria: ACMG Guidelines, 2015. Collection method: clinical testing. Allele origin: unknown.

GeneDx
Classification: Uncertain significance. Last evaluated: 2023-07-03. Review status: criteria provided, single submitter. Criteria: GeneDx Variant Classification Process June 2021. Collection method: clinical testing. Allele origin: germline. Affected: yes.
Comment: In silico analysis supports that this missense variant does not alter protein structure/function; Observed in an individual with a personal or family history of breast cancer (Garcia-Pelaez et al., 2023); This variant is associated with the following publications: (PMID: 15235021, 22850631, 36436516)

European Reference Network on Genetic Tumour Risk Syndromes (ERN-GENTURIS), i3s - Instituto de Investigação e Inovação em Saúde, University of Porto
Classification: Uncertain significance for Hereditary diffuse gastric adenocarcinoma. Last evaluated: 2022-08-01. Review status: criteria provided, single submitter. Criteria: Lee et al. (Hum Mutat. 2018). Collection method: clinical testing. Allele origin: germline. Inheritance: Autosomal dominant inheritance. Affected: no. Study: ERN GENTURIS.
Comment: Not applicable criteria (PMID: 30311375)

Ambry Genetics
Classification: Likely benign for Hereditary cancer-predisposing syndrome. Last evaluated: 2021-11-15. Review status: criteria provided, single submitter. Criteria: Ambry Variant Classification Scheme 2023. Collection method: clinical testing. Allele origin: germline.

CHEO Genetics Diagnostic Laboratory, Children's Hospital of Eastern Ontario
Classification: Uncertain significance for Breast and/or ovarian cancer. Last evaluated: 2021-07-20. Review status: criteria provided, single submitter. Criteria: ACMG Guidelines, 2015. Collection method: clinical testing. Allele origin: germline.

Department of Pathology and Laboratory Medicine, Sinai Health System
Classification: Uncertain significance for Familial cancer of breast; Ovarian cancer. Last evaluated: 2020-06-12. Review status: criteria provided, single submitter. Criteria: ACMG Guidelines, 2015. Collection method: clinical testing. Allele origin: germline. Affected: yes.

PreventionGenetics, part of Exact Sciences
Classification: Uncertain significance for CDH1-related condition. Last evaluated: 2024-07-16. Review status: no assertion criteria provided. Collection method: clinical testing. Allele origin: germline. Not counted in ClinVar's aggregate classification.
Comment: The CDH1 c.2017C>A variant is predicted to result in the amino acid substitution p.Gln673Lys. This variant has been reported in the literature in an individual with a family history of breast cancer (Garcia-Pelaez J et al. 2022. PubMed ID: 36436516). This variant is reported in 0.0053% of alleles in individuals of European (Non-Finnish) descent in gnomAD and is interpreted as uncertain significance by the vast majority of submitters in ClinVar. At this time, the clinical significance of this variant is uncertain due to the absence of conclusive functional and genetic evidence.

Literature cited by the submitters: PubMed 33471991 (cited by Color Diagnostics, LLC DBA Color Health and Quest Diagnostics Nichols Institute San Juan Capistrano); PubMed 36436516 (cited by 3 submitters); PubMed 38153744 (cited by Quest Diagnostics Nichols Institute San Juan Capistrano).

NM_004360.5(CDH1):c.2017C>A (p.Gln673Lys)

Gene: CDH1 (cadherin 1; plus strand). Cytogenetic location: 16q22.1.
Variant type: single nucleotide variant.
Coding change: c.2017C>A on transcript NM_004360.5 (MANE Select); coding-DNA position 2017, C replaced by A.
Protein change: p.Gln673Lys; replaces glutamine 673 with lysine.
Molecular consequence: missense variant.
Genome position (GRCh38, 1-based): chr16:68,823,479, C>A. VCF-style: chr16-68823479-C-A. GRCh37 (hg19) VCF-style: chr16-68857382-C-A.
Other names: p.Q673K:CAG>AAG; c.2017C>A (LRG_301t1); c.1834C>A, p.Gln612Lys (NM_001317184.2); c.469C>A, p.Gln157Lys (NM_001317185.2); c.52C>A, p.Gln18Lys (NM_001317186.2); short protein forms Q673K, Q157K, Q18K, Q612K.
Identifiers: ClinVar variation 141376 (VCV000141376.35), dbSNP rs587781701, ClinGen allele CA294129.
Genomic context (GRCh38, chr16:68,823,479, plus strand): 5'-AAGCCAAAGATGGCCTTAGAGGTGGGTGACTACAAAATCAATCTCAAGCTCATGGATAAC[C>A]AGAATAAAGACCAAGTGACCACCTTAGAGGTCAGCGTGTGTGACTGTGAAGGGGCCGCTG-3'
Protein context (NP_004351.1, residues 663-683): YKINLKLMDN[Gln673Lys]NKDQVTTLEV